The following is an entry in ClinVar:

ClinVar aggregate classification (germline): Uncertain significance. Review status: criteria provided, multiple submitters, no conflicts (2 of 4 stars). 2 submissions from 2 submitters: Uncertain significance (2). Last evaluated 2023-10-21.

Conditions:
Isolated focal cortical dysplasia type II (FCORD2). Also called: Focal cortical dysplasia type II; CORTICAL DYSPLASIA OF TAYLOR. Identifiers: Orphanet 268994, MedGen C1846385, MONDO:0011818, OMIM 607341, HP:0032051.
Hereditary cancer-predisposing syndrome. Also called: Neoplastic Syndromes, Hereditary; Hereditary neoplastic syndrome; Tumor predisposition; Hereditary Cancer Syndrome. Identifiers: Orphanet 140162, MedGen C0027672, MeSH D009386, MONDO:0015356.

Submissions (2):

Ambry Genetics
Classification: Uncertain significance for Hereditary cancer-predisposing syndrome. Last evaluated: 2023-10-21. Review status: criteria provided, single submitter. Criteria: Ambry Variant Classification Scheme 2023. Collection method: clinical testing. Allele origin: germline.
Comment: The p.S838G variant (also known as c.2512A>G), located in coding exon 21 of the TSC2 gene, results from an A to G substitution at nucleotide position 2512. The serine at codon 838 is replaced by glycine, an amino acid with similar properties. This amino acid position is conserved. In addition, the in silico prediction for this alteration is inconclusive. Since supporting evidence is limited at this time, the clinical significance of this alteration remains unclear.

Baylor Genetics
Classification: Uncertain significance for Isolated focal cortical dysplasia type II. Last evaluated: 2023-05-30. Review status: criteria provided, single submitter. Criteria: ACMG Guidelines, 2015. Collection method: clinical testing. Allele origin: unknown.

NM_000548.5(TSC2):c.2512A>G (p.Ser838Gly)

Gene: TSC2 (TSC complex subunit 2; plus strand). Cytogenetic location: 16p13.3.
Variant type: single nucleotide variant.
Coding change: c.2512A>G on transcript NM_000548.5 (MANE Select); coding-DNA position 2512, A replaced by G.
Protein change: p.Ser838Gly; replaces serine 838 with glycine.
Molecular consequence: missense variant. On other transcripts: non-coding transcript variant (5).
Genome position (GRCh38, 1-based): chr16:2,074,356, A>G. VCF-style: chr16-2074356-A-G. GRCh37 (hg19) VCF-style: chr16-2124357-A-G.
Other names: c.1912A>G, p.Ser638Gly (NM_001406686.1, NM_001406687.1, NM_001406688.1 and 6 more transcripts); c.1168A>G, p.Ser390Gly (NM_001406691.1, NM_001406692.1, NM_001406695.1 and 6 more transcripts); c.2512A>G, p.Ser838Gly (NM_001077183.3, NM_001114382.3, NM_001363528.2 and 6 more transcripts); c.2401A>G, p.Ser801Gly (NM_001318827.2, NM_001406670.1, NM_001406678.1); c.2365A>G, p.Ser789Gly (NM_001318829.2, NM_001406675.1, NM_001406676.1 and 1 more transcripts); c.2545A>G, p.Ser849Gly (NM_001318832.2); c.2602A>G, p.Ser868Gly (NM_001406667.1, NM_001406668.1); c.2500A>G, p.Ser834Gly (NM_001406671.1, NM_001406673.1); and 3 more; short protein forms S304G, S390G, S638G, S684G, S789G, S801G, S819G, S834G.
Identifiers: ClinVar variation 2679346 (VCV002679346.2), dbSNP rs2151355156, ClinGen allele CA394277893.